The following is an entry in ClinVar:

ClinVar aggregate classification (germline): Pathogenic (1 of 4 stars; one submission).

Conditions:
Griscelli syndrome type 2 (GS2). Also called: GRISCELLI SYNDROME WITH HEMOPHAGOCYTIC SYNDROME; PAID SYNDROME; PARTIAL ALBINISM AND IMMUNODEFICIENCY SYNDROME. Identifiers: Orphanet 381, Orphanet 79477, MedGen C1868679, MONDO:0011872, OMIM 607624.

Submission:

Labcorp Genetics (formerly Invitae), Labcorp
Classification: Pathogenic for Griscelli syndrome type 2. Last evaluated: 2023-12-23. Review status: criteria provided, single submitter. Criteria: Invitae Variant Classification Sherloc (09022015). Collection method: clinical testing. Allele origin: unknown.
Comment: This variant is a gross deletion of the genomic region encompassing exon(s) 3 of the RAB27A gene. This deletion is out-of-frame, and is expected to create a premature termination codon and result in an absent or disrupted protein product. Loss-of-function variants in RAB27A are known to be pathogenic (PMID: 10835631, 23160464). This variant has not been reported in the literature in individuals affected with RAB27A-related conditions. For these reasons, this variant has been classified as Pathogenic.

Literature cited by the submitters: PubMed 10835631; PubMed 23160464.

NC_000015.9:g.(?_55522579)_(55522704_?)del

Gene: RAB27A (RAB27A, member RAS oncogene family; minus strand). Cytogenetic location: 15q21.3.
Variant type: Deletion.
Identifiers: ClinVar variation 3243801 (VCV003243801.1).